The following is an entry in ClinVar:

ClinVar aggregate classification (germline): Uncertain significance (0 of 4 stars; one submission).

Conditions:
FMN1-related disorder. Also called: FMN1-related condition.

Submission:

PreventionGenetics, part of Exact Sciences
Classification: Uncertain significance for FMN1-related condition. Last evaluated: 2024-06-20. Review status: no assertion criteria provided. Collection method: clinical testing. Allele origin: germline.
Comment: The FMN1 c.1253A>G variant is predicted to result in the amino acid substitution p.Asn418Ser. To our knowledge, this variant has not been reported in the literature or in a large population database, indicating this variant is rare. At this time, the clinical significance of this variant is uncertain due to the absence of conclusive functional and genetic evidence.

NM_001277313.2(FMN1):c.1253A>G (p.Asn418Ser)

Gene: FMN1 (formin 1; minus strand). Cytogenetic location: 15q13.3.
Variant type: single nucleotide variant.
Coding change: c.1253A>G on transcript NM_001277313.2 (MANE Select); coding-DNA position 1253, A replaced by G.
Protein change: p.Asn418Ser; replaces asparagine 418 with serine.
Molecular consequence: missense variant.
Genome position (GRCh38, 1-based): chr15:33,153,662, T>C on the plus strand (A>G on the coding strand, the complement: FMN1 is on the minus strand). VCF-style: chr15-33153662-T-C. GRCh37 (hg19) VCF-style: chr15-33445863-T-C.
Other names: c.1253A>G, p.Asn418Ser (NM_001277314.2); short protein forms N418S.
Identifiers: ClinVar variation 3347730 (VCV003347730.1).